The following is an entry in ClinVar:

NM_000179.3(MSH6):c.3901_3912del (p.Asn1301_Arg1304del)

Gene: MSH6 (mutS homolog 6; plus strand). Cytogenetic location: 2p16.3.
Variant type: Deletion.
Coding change: c.3901_3912del on transcript NM_000179.3 (MANE Select); coding-DNA positions 3901 to 3912, 12 bases deleted (AATGCAGCAAGG).
Protein change: p.Asn1301_Arg1304del.
Molecular consequence: inframe deletion.
Genome position (GRCh38, 1-based): chr2:47,806,551-47,806,562, AATGCAGCAAGG deleted. VCF-style (leftmost placement, unchanged base first): chr2-47806550-TAATGCAGCAAGG-T. GRCh37 (hg19) VCF-style: chr2-48033689-TAATGCAGCAAGG-T.
Other names: c.3511_3522del, p.Asn1171_Arg1174del (NM_001281492.2); c.2995_3006del, p.Asn999_Arg1002del (NM_001281493.2, NM_001281494.2); c.3901_3912del12 (NM_000179.2).
Identifiers: ClinVar variation 428390 (VCV000428390.15), dbSNP rs1114167762, ClinGen allele CA645369296.
Genomic context (GRCh38, chr2:47,806,550, plus strand): 5'-GGAGACTATTACGTTCCTCTATAAATTCATTAAGGGAGCTTGTCCTAAAAGCTATGGCTT[TAATGCAGCAAGG>T]CTTGCTAATCTCCCAGAGGAAGTTATTCAAAAGGGACATAGAAAAGCAAGAGAATTTGAG-3'

ClinVar aggregate classification (germline): Uncertain significance. Review status: criteria provided, multiple submitters, no conflicts (2 of 4 stars). 2 submissions from 2 submitters: Uncertain significance (2). Last evaluated 2023-08-07.

Conditions:
Hereditary nonpolyposis colorectal neoplasms. Identifiers: MedGen C0009405, MeSH D003123.
Hereditary cancer-predisposing syndrome. Also called: Hereditary Cancer Syndrome; Neoplastic Syndromes, Hereditary; Hereditary neoplastic syndrome; Tumor predisposition. Identifiers: Orphanet 140162, MedGen C0027672, MeSH D009386, MONDO:0015356.

Submissions (2):

Labcorp Genetics (formerly Invitae), Labcorp
Classification: Uncertain significance for Hereditary nonpolyposis colorectal neoplasms. Last evaluated: 2023-08-07. Review status: criteria provided, single submitter. Criteria: Invitae Variant Classification Sherloc (09022015). Collection method: clinical testing. Allele origin: germline.
Comment: In summary, the available evidence is currently insufficient to determine the role of this variant in disease. Therefore, it has been classified as a Variant of Uncertain Significance. Experimental studies and prediction algorithms are not available or were not evaluated, and the functional significance of this variant is currently unknown. ClinVar contains an entry for this variant (Variation ID: 428390). This variant has been observed in individual(s) with clinical features of Lynch syndrome (Invitae). This variant is not present in population databases (gnomAD no frequency). This variant, c.3901_3912del, results in the deletion of 4 amino acid(s) of the MSH6 protein (p.Asn1301_Arg1304del), but otherwise preserves the integrity of the reading frame.

Ambry Genetics
Classification: Uncertain significance for Hereditary cancer-predisposing syndrome. Last evaluated: 2020-12-07. Review status: criteria provided, single submitter. Criteria: Ambry Variant Classification Scheme 2023. Collection method: clinical testing. Allele origin: germline.
Comment: The c.3901_3912del12 variant (also known as p.N1301_R1304del) is located in coding exon 9 of the MSH6 gene. This variant results from an in-frame deletion of 12 nucleotides (AATGCAGCAAGG) at nucleotide positions 3901 to 3912. This results in the in-frame deletion of four amino acids at codons 1301 to 1304. These amino acid positions are highly conserved in available vertebrate species. In addition, this alteration is predicted to be deleterious by in silico analysis (Choi Y et al. PLoS ONE. 2012; 7(10):e46688). Since supporting evidence is limited at this time, the clinical significance of this alteration remains unclear.